The following is an entry in ClinVar:

ClinVar aggregate classification (germline): Benign/Likely benign. Review status: criteria provided, multiple submitters, no conflicts (2 of 4 stars). 2 submissions from 2 submitters: Benign (1); Likely benign (1). Last evaluated 2026-01-13.

Conditions:
Peroxisome biogenesis disorder. Identifiers: Orphanet 79189, MedGen C1832200, MONDO:0019234. Disease mechanism: loss of function.

Allele frequency attached by ClinVar (database versions not stated): gnomAD 0.00001 and 0.00003; gnomAD exomes 0.00006 and 0.00011; ExAC 0.00012; 1000 Genomes Project 30x 0.00016; 1000 Genomes Project 0.00020.
gnomAD v4.1: 89 of 1,613,938 alleles (0.0055%); highest among the groups gnomAD compares: South Asian, 0.094%; 3 homozygotes.

Submissions (2):

Labcorp Genetics (formerly Invitae), Labcorp
Classification: Benign for Peroxisome biogenesis disorder. Last evaluated: 2026-01-13. Review status: criteria provided, single submitter. Criteria: Invitae Variant Classification Sherloc (09022015). Collection method: clinical testing. Allele origin: germline.

CeGaT Center for Human Genetics Tuebingen
Classification: Likely benign. Last evaluated: 2022-07-01. Review status: criteria provided, single submitter. Criteria: CeGaT Center For Human Genetics Tuebingen Variant Classification Criteria Version 2. Collection method: clinical testing. Allele origin: germline. Affected: yes. Observed: 1 variant allele.
Comment: PEX16: BP4, BP7

NM_004813.4(PEX16):c.162T>C (p.Ser54=)

Gene: PEX16 (peroxisomal biogenesis factor 16; minus strand). Cytogenetic location: 11p11.2.
Variant type: single nucleotide variant.
Coding change: c.162T>C on transcript NM_004813.4 (MANE Select); coding-DNA position 162, T replaced by C.
Protein change: p.Ser54=; no amino-acid change (serine 54 retained).
Molecular consequence: synonymous variant.
Genome position (GRCh38, 1-based): chr11:45,916,290, A>G on the plus strand (T>C on the coding strand, the complement: PEX16 is on the minus strand). VCF-style: chr11-45916290-A-G. GRCh37 (hg19) VCF-style: chr11-45937841-A-G.
Other names: c.162T>C, p.Ser54= (NM_057174.3).
Identifiers: ClinVar variation 1660854 (VCV001660854.32), dbSNP rs552583175, ClinGen allele CA5960073.
Genomic context (GRCh38, chr11:45,916,290, plus strand): 5'-AGGCAACTTTTTCCGAAGCTCCTTCCGTAGGATCCCGTCATTGAGCAGCACAAGCAGGTT[A>G]GAGGCAGAGTACACTGAGGGGTAGAGAGTGGCCTTGAGAGGCTGGCTCTGCAGCCTCCAT-3'
Protein context (NP_004804.2, residues 44-64): HELSELVYSA[Ser54=]NLLVLLNDGI